The following is an entry in ClinVar:

NM_004006.3(DMD):c.103C>T (p.Gln35Ter)

Gene: DMD (dystrophin; minus strand). Cytogenetic location: Xp21.1.
Variant type: single nucleotide variant.
Coding change: c.103C>T on transcript NM_004006.3 (MANE Select); coding-DNA position 103, C replaced by T.
Protein change: p.Gln35Ter; replaces glutamine 35 with a stop codon.
Molecular consequence: nonsense. On other transcripts: 5 prime UTR variant (1).
Genome position (GRCh38, 1-based): chrX:32,849,811, G>A on the plus strand (C>T on the coding strand, the complement: DMD is on the minus strand). VCF-style: chrX-32849811-G-A. GRCh37 (hg19) VCF-style: chrX-32867928-G-A.
Other names: c.79C>T, p.Gln27Ter (NM_000109.4); c.91C>T, p.Gln31Ter (NM_004009.3); c.-267C>T (NM_004010.3); short protein forms Q27*, Q31*, Q35*.
Identifiers: ClinVar variation 1322519 (VCV001322519.9), dbSNP rs2149015656, ClinGen allele CA412674988.

ClinVar aggregate classification (germline): Pathogenic. Review status: criteria provided, multiple submitters, no conflicts (2 of 4 stars). 2 submissions from 2 submitters: Pathogenic (2). Last evaluated 2021-08-07.

Conditions:
Duchenne muscular dystrophy (DMD). Also called: MUSCULAR DYSTROPHY, PSEUDOHYPERTROPHIC PROGRESSIVE, DUCHENNE TYPE; Duchenne Muscular Dystrophy (DMD). Identifiers: Orphanet 98896, MedGen C0013264, MONDO:0010679, OMIM 310200.

Submissions (2):

Labcorp Genetics (formerly Invitae), Labcorp
Classification: Pathogenic for Duchenne muscular dystrophy. Last evaluated: 2021-08-07. Review status: criteria provided, single submitter. Criteria: Invitae Variant Classification Sherloc (09022015). Collection method: clinical testing. Allele origin: germline.
Comment: For these reasons, this variant has been classified as Pathogenic. This premature translational stop signal has been observed in individual(s) with Becker muscular dystrophy (PMID: 32813700). This variant is not present in population databases (ExAC no frequency). This sequence change creates a premature translational stop signal (p.Gln35*) in the DMD gene. It is expected to result in an absent or disrupted protein product. Loss-of-function variants in DMD are known to be pathogenic (PMID: 16770791, 25007885).

Revvity Omics, Revvity
Classification: Pathogenic. Last evaluated: 2020-07-01. Review status: criteria provided, single submitter. Criteria: ACMG Guidelines, 2015. Collection method: clinical testing. Allele origin: germline.

Literature cited by the submitters: PubMed 32813700 (cited by Labcorp Genetics (formerly Invitae), Labcorp); PubMed 16770791 (cited by Labcorp Genetics (formerly Invitae), Labcorp); PubMed 25007885 (cited by Labcorp Genetics (formerly Invitae), Labcorp).